The following is an entry in ClinVar:

ClinVar aggregate classification (germline): Uncertain significance (1 of 4 stars; one submission).

gnomAD v4.1: 2 of 1,613,998 alleles (0.00012%); highest among the groups gnomAD compares: African/African-American, 0.0027%; no homozygotes.

Submission:

CeGaT Center for Human Genetics Tuebingen
Classification: Uncertain significance. Last evaluated: 2024-09-01. Review status: criteria provided, single submitter. Criteria: CeGaT Center For Human Genetics Tuebingen Variant Classification Criteria Version 2. Collection method: clinical testing. Allele origin: germline. Affected: yes. Observed: 1 variant allele.
Comment: ARHGEF10: PM2

NM_014629.4(ARHGEF10):c.2474C>T (p.Ala825Val)

Gene: ARHGEF10 (Rho guanine nucleotide exchange factor 10; plus strand). Cytogenetic location: 8p23.3.
Variant type: single nucleotide variant.
Coding change: c.2474C>T on transcript NM_014629.4 (MANE Select); coding-DNA position 2474, C replaced by T.
Protein change: p.Ala825Val; replaces alanine 825 with valine.
Molecular consequence: missense variant.
Genome position (GRCh38, 1-based): chr8:1,923,860, C>T. VCF-style: chr8-1923860-C-T. GRCh37 (hg19) VCF-style: chr8-1872026-C-T.
Other names: c.2360C>T, p.Ala787Val (NM_001308152.2); c.2474C>T, p.Ala825Val (NM_001308153.3); short protein forms A787V, A825V, A849V.
Identifiers: ClinVar variation 3389361 (VCV003389361.14).